The following is an entry in ClinVar:

ClinVar aggregate classification (germline): Uncertain significance (1 of 4 stars; one submission).

Conditions:
Cardiovascular phenotype. Identifiers: MedGen CN230736.

gnomAD v4.1: 1 of 1,613,912 alleles (0.000062%); highest among the groups gnomAD compares: Non-Finnish European, 0.000085%; no homozygotes.

Submission:

Ambry Genetics
Classification: Uncertain significance for Cardiovascular phenotype. Last evaluated: 2024-06-07. Review status: criteria provided, single submitter. Criteria: Ambry Variant Classification Scheme 2023. Collection method: clinical testing. Allele origin: germline.
Comment: The p.A2802V variant (also known as c.8405C>T), located in coding exon 33 of the AKAP9 gene, results from a C to T substitution at nucleotide position 8405. The alanine at codon 2802 is replaced by valine, an amino acid with similar properties. This amino acid position is conserved. In addition, this alteration is predicted to be tolerated by in silico analysis. Based on the available evidence, the clinical significance of this variant remains unclear.

NM_005751.5(AKAP9):c.8405C>T (p.Ala2802Val)

Gene: AKAP9 (A-kinase anchoring protein 9; plus strand). Cytogenetic location: 7q21.2.
Variant type: single nucleotide variant.
Coding change: c.8405C>T on transcript NM_005751.5 (MANE Select); coding-DNA position 8405, C replaced by T.
Protein change: p.Ala2802Val; replaces alanine 2802 with valine.
Molecular consequence: missense variant.
Genome position (GRCh38, 1-based): chr7:92,083,414, C>T. VCF-style: chr7-92083414-C-T. GRCh37 (hg19) VCF-style: chr7-91712728-C-T.
Other names: c.3050C>T, p.Ala1017Val (NM_001379277.1); c.8381C>T, p.Ala2794Val (NM_147185.3); short protein forms A1017V, A2802V, A2794V.
Identifiers: ClinVar variation 3281448 (VCV003281448.1).